The following is an entry in ClinVar:

NM_001377265.1(MAPT):c.1732+2364C>T

Gene: MAPT (microtubule associated protein tau). Cytogenetic location: 17q21.31.
Variant type: single nucleotide variant.
Coding change: c.1732+2364C>T on transcript NM_001377265.1 (MANE Select); 2364 bases into the intron after coding-DNA position 1732, C replaced by T.
Molecular consequence: intron variant. On other transcripts: missense variant (1).
Genome position (GRCh38, 1-based): chr17:45,993,950, C>T. VCF-style: chr17-45993950-C-T. GRCh37 (hg19) VCF-style: chr17-44071316-C-T.
Other names: c.1534C>T (NM_001123066.3); c.1534C>T, p.Pro512Ser (NM_001123066.4); c.382+2364C>T (NM_001377268.1, NM_016834.5, NM_016841.5); c.1507+2364C>T (NM_016835.5); c.556+2364C>T (NM_005910.6, NM_001203252.2); c.1534+2364C>T (NM_001377266.1); c.469+2364C>T (NM_001123067.4, NM_001203251.2, NM_001377267.1); short protein forms P512S.
Identifiers: ClinVar variation 695676 (VCV000695676.36), dbSNP rs187760483, ClinGen allele CA8617999.

ClinVar aggregate classification (germline): Benign/Likely benign. Review status: criteria provided, multiple submitters, no conflicts (2 of 4 stars). 4 submissions from 4 submitters: Benign (2); Likely benign (1). 1 of the submissions does not count toward it. Last evaluated 2023-11-01.

Conditions:
Frontotemporal dementia (FTD1). Also called: WILHELMSEN-LYNCH DISEASE; Frontotemporal lobe dementia (FLDEM); FRONTOTEMPORAL LOBAR DEGENERATION WITH TAU INCLUSIONS; FTLD WITH TAU INCLUSIONS; Dementia, frontotemporal, with or without parkinsonism; Frontotemporal Dementia with Parkinsonism-17 (FTDP-17). Identifiers: Orphanet 282, MedGen C0338451, MONDO:0017276, OMIM 600274, HP:0002145.
MAPT-related disorder. Also called: MAPT-related condition; MAPT-Related Disorders.

Allele frequency attached by ClinVar (database versions not stated): gnomAD exomes 0.00018 and 0.00046; ExAC 0.00115; ESP Exome Variant Server 0.00117; 1000 Genomes Project 0.00140; 1000 Genomes Project 30x 0.00141; gnomAD 0.00177 and 0.00195; TOPMed 0.00209.
gnomAD v4.1: 520 of 1,576,914 alleles (0.033%); highest among the groups gnomAD compares: African/African-American, 0.64%; 4 homozygotes.

Submissions (4):

CeGaT Center for Human Genetics Tuebingen
Classification: Likely benign. Last evaluated: 2023-11-01. Review status: criteria provided, single submitter. Criteria: CeGaT Center For Human Genetics Tuebingen Variant Classification Criteria Version 2. Collection method: clinical testing. Allele origin: germline. Affected: yes. Observed: 1 variant allele.
Comment: MAPT: BP4, BS1

Labcorp Genetics (formerly Invitae), Labcorp
Classification: Benign for Frontotemporal dementia. Last evaluated: 2023-07-27. Review status: criteria provided, single submitter. Criteria: Invitae Variant Classification Sherloc (09022015). Collection method: clinical testing. Allele origin: germline.

GeneDx
Classification: Benign. Last evaluated: 2020-09-23. Review status: criteria provided, single submitter. Criteria: GeneDx Variant Classification Process June 2021. Collection method: clinical testing. Allele origin: germline. Affected: yes.

PreventionGenetics, part of Exact Sciences
Classification: Likely benign for MAPT-related condition. Last evaluated: 2019-11-26. Review status: no assertion criteria provided. Collection method: clinical testing. Allele origin: germline. Not counted in ClinVar's aggregate classification.
Comment: This variant is classified as likely benign based on ACMG/AMP sequence variant interpretation guidelines (Richards et al. 2015 PMID: 25741868, with internal and published modifications).